The following is an entry in ClinVar:

ClinVar aggregate classification (germline): Uncertain significance (1 of 4 stars; one submission).

Conditions:
Myopathy, centronuclear, 2 (CNM2). Also called: MYOTUBULAR MYOPATHY, AUTOSOMAL RECESSIVE. Identifiers: Orphanet 169186, MedGen CN031787, MONDO:0009709, OMIM 255200.

Allele frequency attached by ClinVar (database versions not stated): gnomAD exomes below 0.00001; TOPMed below 0.00001.
gnomAD v4.1: 2 of 1,614,000 alleles (0.00012%); highest among the groups gnomAD compares: Admixed American, 0.0033%; no homozygotes.

Submission:

Labcorp Genetics (formerly Invitae), Labcorp
Classification: Uncertain significance for Myopathy, centronuclear, 2. Last evaluated: 2026-01-11. Review status: criteria provided, single submitter. Criteria: Invitae Variant Classification Sherloc (09022015). Collection method: clinical testing. Allele origin: germline.
Comment: This sequence change falls in intron 5 of the BIN1 gene. It does not directly change the encoded amino acid sequence of the BIN1 protein. It affects a nucleotide within the consensus splice site. This variant is present in population databases (no rsID available, gnomAD 0.006%). This variant has not been reported in the literature in individuals affected with BIN1-related conditions. ClinVar contains an entry for this variant (Variation ID: 1923261). Variants that disrupt the consensus splice site are a relatively common cause of aberrant splicing (PMID: 17576681, 9536098). Algorithms developed to predict the effect of sequence changes on RNA splicing suggest that this variant is not likely to affect RNA splicing. In summary, the available evidence is currently insufficient to determine the role of this variant in disease. Therefore, it has been classified as a Variant of Uncertain Significance.

Literature cited by the submitters: PubMed 17576681; PubMed 9536098.

NM_139343.3(BIN1):c.411+5G>C

Gene: BIN1 (bridging integrator 1; minus strand). Cytogenetic location: 2q14.3.
Variant type: single nucleotide variant.
Coding change: c.411+5G>C on transcript NM_139343.3 (MANE Select); 5 bases into the intron after coding-DNA position 411, G replaced by C.
Molecular consequence: intron variant.
Genome position (GRCh38, 1-based): chr2:127,069,990, C>G on the plus strand (G>C on the coding strand, the complement: BIN1 is on the minus strand). VCF-style: chr2-127069990-C-G. GRCh37 (hg19) VCF-style: chr2-127827566-C-G.
Other names: c.330+5G>C (NM_001320642.1); c.339+5G>C (NM_001320634.1); c.411+5G>C (NM_139351.3, NM_139350.3, NM_139349.3 and 10 more transcripts).
Identifiers: ClinVar variation 1923261 (VCV001923261.5), dbSNP rs1457028890, ClinGen allele CA535624795.